The following is an entry in ClinVar:

NM_013336.4(SEC61A1):c.847C>T (p.Leu283Phe)

Genes: RUVBL1 (RuvB like AAA ATPase 1; minus strand), SEC61A1 (SEC61 translocon subunit alpha 1; plus strand). Cytogenetic location: 3q21.3.
Variant type: single nucleotide variant.
Coding change: c.847C>T on transcript NM_013336.4 (MANE Select); coding-DNA position 847, C replaced by T.
Protein change: p.Leu283Phe; replaces leucine 283 with phenylalanine.
Molecular consequence: missense variant. On other transcripts: intron variant (1).
Genome position (GRCh38, 1-based): chr3:128,067,023, C>T. VCF-style: chr3-128067023-C-T. GRCh37 (hg19) VCF-style: chr3-127785866-C-T.
Other names: c.865C>T, p.Leu289Phe (NM_001400328.1); c.688C>T, p.Leu230Phe (NM_001400329.1); c.940-1803G>A (NM_001319086.1); short protein forms L230F, L283F, L289F.
Identifiers: ClinVar variation 4540434 (VCV004540434.1).

ClinVar aggregate classification (germline): Uncertain significance (1 of 4 stars; one submission).

Conditions:
Hyperuricemic nephropathy, familial juvenile type 4 (ADTKD5). Identifiers: MedGen C4310741, MONDO:0014891, OMIM 617056.

gnomAD v4.1: 1 of 1,614,216 alleles (0.000062%); highest among the groups gnomAD compares: Non-Finnish European, 0.000085%; no homozygotes.

Submission:

MVZ Medizinische Genetik Mainz
Classification: Uncertain significance for Hyperuricemic nephropathy, familial juvenile type 4. Last evaluated: 2025-11-27. Review status: criteria provided, single submitter. Criteria: UK Practice Guidelines For Variant Classification V4 01 2020. Collection method: clinical testing. Allele origin: germline. Inheritance: Autosomal dominant inheritance. Affected: yes. Observed: 1 variant allele.
Comment: ACMG Criteria: PM2_SUP,PP2